The following is an entry in ClinVar:

ClinVar aggregate classification (germline): Pathogenic/Likely pathogenic. Review status: criteria provided, multiple submitters, no conflicts (2 of 4 stars). 5 submissions from 5 submitters: Pathogenic (3); Likely pathogenic (2). Last evaluated 2025-10-22.

Conditions:
AHI1-related disorder. Also called: AHI1-related condition.
Joubert syndrome 3 (JBTS3). Also called: AHI1-related Ciliopathy. Identifiers: Orphanet 220493, MedGen C1837713, MONDO:0012078, OMIM 608629.
Joubert syndrome. Also called: JOUBERT-BOLTSHAUSER SYNDROME; Familial aplasia of the vermis. Identifiers: Orphanet 475, MedGen C5979921, MONDO:0018772.

Allele frequency attached by ClinVar (database versions not stated): TOPMed 0.00001; gnomAD exomes 0.00002.

Submissions (5):

GeneDx
Classification: Pathogenic. Last evaluated: 2025-10-22. Review status: criteria provided, single submitter. Criteria: GeneDx Variant Classification Process June 2021. Collection method: clinical testing. Allele origin: germline. Affected: yes.
Comment: Observed with a second AHI1 variant, phase unknown, in a patient with Joubert syndrome in published literature (PMID: 18054307, 25920555); Frameshift variant predicted to result in protein truncation or nonsense mediated decay in a gene for which loss of function is a known mechanism of disease; Not observed at significant frequency in large population cohorts (gnomAD); This variant is associated with the following publications: (PMID: 15322546, 16453322, 25920555, 18054307, 31964843)

Labcorp Genetics (formerly Invitae), Labcorp
Classification: Pathogenic for Joubert syndrome. Last evaluated: 2025-01-13. Review status: criteria provided, single submitter. Criteria: Invitae Variant Classification Sherloc (09022015). Collection method: clinical testing. Allele origin: germline.
Comment: This sequence change creates a premature translational stop signal (p.Leu750Thrfs*4) in the AHI1 gene. It is expected to result in an absent or disrupted protein product. Loss-of-function variants in AHI1 are known to be pathogenic (PMID: 15322546, 16453322, 28442542, 29186038). This variant is present in population databases (no rsID available, gnomAD 0.01%). This premature translational stop signal has been observed in individual(s) with Joubert syndrome (PMID: 18054307, 25920555). ClinVar contains an entry for this variant (Variation ID: 852023). Algorithms developed to predict the effect of sequence changes on RNA splicing suggest that this variant may disrupt the consensus splice site. For these reasons, this variant has been classified as Pathogenic.

Blueprint Genetics
Classification: Likely pathogenic for AHI1-related disorders. Last evaluated: 2024-09-19. Review status: criteria provided, single submitter. Criteria: ACMG Guidelines, 2015. Collection method: clinical testing. Allele origin: germline. Affected: yes. Observed: 5 variant alleles.

Revvity Omics, Revvity
Classification: Likely pathogenic for Joubert syndrome 3. Last evaluated: 2024-06-21. Review status: criteria provided, single submitter. Criteria: ACMG Guidelines, 2015. Collection method: clinical testing. Allele origin: germline.

Fulgent Genetics
Classification: Pathogenic for Joubert syndrome 3. Last evaluated: 2024-04-25. Review status: criteria provided, single submitter. Criteria: ACMG Guidelines, 2015. Collection method: clinical testing. Allele origin: germline.

Literature cited by the submitters: PubMed 15322546 (cited by Labcorp Genetics (formerly Invitae), Labcorp); PubMed 16453322 (cited by Labcorp Genetics (formerly Invitae), Labcorp); PubMed 28442542 (cited by Labcorp Genetics (formerly Invitae), Labcorp); PubMed 29186038 (cited by Labcorp Genetics (formerly Invitae), Labcorp); PubMed 18054307 (cited by Labcorp Genetics (formerly Invitae), Labcorp); PubMed 25920555 (cited by Labcorp Genetics (formerly Invitae), Labcorp).

NM_001134831.2(AHI1):c.2247dup (p.Leu750fs)

Gene: AHI1 (Abelson helper integration site 1; minus strand). Cytogenetic location: 6q23.3.
Variant type: Duplication.
Coding change: c.2247dup on transcript NM_001134831.2 (MANE Select); coding-DNA position 2247, one base duplicated (A; older notation c.2247dupA).
Protein change: p.Leu750fs; shifts the reading frame from leucine 750.
Molecular consequence: frameshift variant.
Genome position (GRCh38, 1-based): chr6:135,433,046, T duplicated on the plus strand (A on the coding strand, the reverse complement: AHI1 is on the minus strand). VCF-style (leftmost placement, unchanged base first): chr6-135433045-G-GT. GRCh37 (hg19) VCF-style: chr6-135754183-G-GT.
Other names: c.2247dup, p.Leu750fs (NM_001134830.2, NM_001134832.2, NM_001350503.2 and 2 more transcripts); short protein forms L750fs.
Identifiers: ClinVar variation 852023 (VCV000852023.17), dbSNP rs1445681647, ClinGen allele CA570558491.
Genomic context (GRCh38, chr6:135,433,045, plus strand): 5'-ATTCTTCACATAGCTGGTCTTCATTCATAGTCTCTGACATACCTTCAGTATCAAAACAAA[G>GT]TGAGTTGATAAAACTTTTGTGAACATCAAACTGTCGGACCAATATGGCAGAATCTTCTCT-3'